The following is an entry in ClinVar:

NM_000057.4(BLM):c.1220+3A>T

Gene: BLM (BLM RecQ like helicase; plus strand). Cytogenetic location: 15q26.1.
Variant type: single nucleotide variant.
Coding change: c.1220+3A>T on transcript NM_000057.4 (MANE Select); 3 bases into the intron after coding-DNA position 1220, A replaced by T.
Molecular consequence: intron variant.
Genome position (GRCh38, 1-based): chr15:90,760,282, A>T. VCF-style: chr15-90760282-A-T. GRCh37 (hg19) VCF-style: chr15-91303512-A-T.
Other names: c.1220+3A>T (NM_001287246.2, NM_001287247.2); c.95+3A>T (NM_001287248.2).
Identifiers: ClinVar variation 2913687 (VCV002913687.3), dbSNP rs1429490877, ClinGen allele CA619578355.
Genomic context (GRCh38, chr15:90,760,282, plus strand): 5'-ATGATAAACTGAAACTTTTGGATTGTGGGAACGAACTGCTTCAGCAGCGGAACATAAGGT[A>T]TCTTAATTTTCCCCCTTCTGGAATATATCTGATTATATTTCTACCACTCTAAGTGAAAAA-3'

ClinVar aggregate classification (germline): Uncertain significance (1 of 4 stars; one submission).

Conditions:
Bloom syndrome (BLM). Also called: Bloom-Torre-Machacek syndrome. Identifiers: Orphanet 125, MedGen C0005859, MONDO:0008876, OMIM 210900.

gnomAD v4.1: 2 of 1,614,032 alleles (0.00012%); highest among the groups gnomAD compares: Non-Finnish European, 0.00017%; no homozygotes.

Submission:

Labcorp Genetics (formerly Invitae), Labcorp
Classification: Uncertain significance for Bloom syndrome. Last evaluated: 2024-01-22. Review status: criteria provided, single submitter. Criteria: Invitae Variant Classification Sherloc (09022015). Collection method: clinical testing. Allele origin: germline.
Comment: This sequence change falls in intron 6 of the BLM gene. It does not directly change the encoded amino acid sequence of the BLM protein. It affects a nucleotide within the consensus splice site. This variant is present in population databases (no rsID available, gnomAD 0.0009%). This variant has not been reported in the literature in individuals affected with BLM-related conditions. Variants that disrupt the consensus splice site are a relatively common cause of aberrant splicing (PMID: 17576681, 9536098). Algorithms developed to predict the effect of sequence changes on RNA splicing suggest that this variant may disrupt the consensus splice site. This variant disrupts the c.1220+3A nucleotide in the BLM gene. Other variant(s) that disrupt this nucleotide have been determined to be pathogenic (PMID: 17407155; Invitae). This suggests that this nucleotide is clinically significant, and that variants that disrupt this position are likely to be disease-causing. In summary, the available evidence is currently insufficient to determine the role of this variant in disease. Therefore, it has been classified as a Variant of Uncertain Significance.

Literature cited by the submitters: PubMed 17576681; PubMed 9536098; PubMed 17407155.